The following is an entry in ClinVar:

NM_007294.4(BRCA1):c.5177_5180del (p.Arg1726fs)

Gene: BRCA1 (BRCA1 DNA repair associated; minus strand). Cytogenetic location: 17q21.31.
Variant type: Microsatellite.
Coding change: c.5177_5180del on transcript NM_007294.4 (MANE Select); coding-DNA positions 5177 to 5180, 4 bases deleted (GAAA; older notation c.5177_5180delGAAA).
Protein change: p.Arg1726fs; shifts the reading frame from arginine 1726.
Molecular consequence: frameshift variant. On other transcripts: non-coding transcript variant (1).
Genome position (GRCh38, 1-based): chr17:43,063,346-43,063,349, TTTC deleted on the plus strand (GAAA on the coding strand, the reverse complement: BRCA1 is on the minus strand); deleting any 4 consecutive bases within chr17:43,063,346-43,063,356 gives the same sequence; the c. name uses the placement nearest the transcript's 3' end. VCF-style (leftmost placement, unchanged base first): chr17-43063345-TTTTC-T. GRCh37 (hg19) VCF-style: chr17-41215362-TTTTC-T.
Other names: 5292del4; NP_009225.1:p.Arg1726LysfsTer3; p.Arg1726LysfsTer3; 5296del4; c.5173_5176GAAA[1], p.Arg1726fs (NM_007294.4); c.5177_5180delGAAA (NM_007294.3); c.4906_4909AAAG[1], p.Arg1638Lysfs (NM_001407923.1, NM_001407924.1, NM_001407925.1 and 4 more transcripts); c.4903_4906AAAG[1], p.Arg1637Lysfs (NM_001407927.1, NM_001407928.1, NM_001407929.1 and 4 more transcripts); and 81 more; short protein forms R1747fs, R622fs, R1679fs, R1726fs.
Identifiers: ClinVar variation 37644 (VCV000037644.112), dbSNP rs80357867, ClinGen allele CA003323.

ClinVar aggregate classification (germline): Pathogenic. Review status: reviewed by expert panel (3 of 4 stars). 37 submissions from 36 submitters: Pathogenic (1). 36 of the submissions do not count toward it. Last evaluated 2016-09-08.

Conditions:
BRCA1-related disorder. Also called: BRCA1-related condition.
Familial cancer of breast. Also called: BREAST CANCER, FAMILIAL; Hereditary breast cancer; hereditary breast carcinoma. Identifiers: Orphanet 227535, MedGen C0346153, MONDO:0016419, OMIM 114480. Disease mechanism: loss of function.
Breast-ovarian cancer, familial, susceptibility to, 1 (BROVCA1). Also called: OVARIAN CANCER, SUSCEPTIBILITY TO; BRCA1 Hereditary Breast and Ovarian Cancer. Identifiers: Orphanet 145, MedGen C2676676, MONDO:0011450, OMIM 604370. Disease mechanism: loss of function.
Fanconi anemia, complementation group S (FANCS). Identifiers: MedGen C4554406, MONDO:0054748, OMIM 617883.
BRCA1-related cancer predisposition. Identifiers: MedGen CN377757, MONDO:0700268.
Rhabdomyosarcoma. Also called: Rhabdomyosarcoma (disease). Identifiers: Orphanet 780, MedGen C0035412, MeSH D012208, MONDO:0005212, HP:0002859.
Inherited breast cancer and ovarian cancer.
Hereditary cancer-predisposing syndrome. Also called: Neoplastic Syndromes, Hereditary; Tumor predisposition; Hereditary Cancer Syndrome; Hereditary neoplastic syndrome. Identifiers: Orphanet 140162, MedGen C0027672, MeSH D009386, MONDO:0015356.
Hereditary breast ovarian cancer syndrome. Also called: Hereditary breast and ovarian cancer; Breast and ovarian cancer; Hereditary breast and/or ovarian cancer syndrome; Hereditary breast and ovarian cancer syndrome (HBOC); Hereditary breast and ovarian cancer syndrome; BRCA1- and BRCA2-Associated Hereditary Breast and Ovarian Cancer. Identifiers: Orphanet 145, MedGen C0677776, MeSH D061325, MONDO:0003582. Disease mechanism: loss of function.
Ovarian neoplasm. Also called: Ovarian tumor; Neoplasm of ovary; Ovarian Neoplasms. Identifiers: MedGen C0919267, MeSH D010051, MONDO:0021068, HP:0100615.

Submissions 1 to 9 of 37:

Evidence-based Network for the Interpretation of Germline Mutant Alleles (ENIGMA)
Classification: Pathogenic for Breast-ovarian cancer, familial, susceptibility to, 1. Last evaluated: 2016-09-08. Review status: reviewed by expert panel. Criteria: ENIGMA BRCA1/2 Classification Criteria (2015). Collection method: curation. Allele origin: germline.
Comment: Variant allele predicted to encode a truncated non-functional protein.

PreventionGenetics, part of Exact Sciences
Classification: Pathogenic for BRCA1-related condition. Last evaluated: 2026-06-12. Review status: criteria provided, single submitter. Criteria: ACMG Guidelines, 2015. Collection method: clinical testing. Allele origin: germline. Not counted in ClinVar's aggregate classification.
Comment: The BRCA1 c.5177_5180delGAAA variant is predicted to result in a frameshift and premature protein termination (p.Arg1726Lysfs*3). This variant has been reported in multiple individuals with breast and/or ovarian cancer (see for example: Table S1, Alemar et al. 2016. PubMed ID: 27425403; Meisel et al. 2017. PubMed ID: 28324225; Table S1, Carter et al. 2018. PubMed ID: 30322717; Gao et al. 1997. PubMed ID: 9150171). This variant is reported in 0.012% of alleles in individuals of African descent in gnomAD and has been interpreted as pathogenic by multiple submitters in ClinVar, including an expert panel (Variation ID: 37644). Frameshift variants in BRCA1 are expected to be pathogenic. This variant is interpreted as pathogenic.

Genomics and Molecular Medicine Service, East Genomic Laboratory Hub, NHS Genomic Medicine Service
Classification: Pathogenic for Inherited breast cancer and ovarian cancer. Last evaluated: 2026-05-07. Review status: criteria provided, single submitter. Criteria: ACGS Best Practice Guidelines for Variant Classification in Rare Disease 2020. Collection method: clinical testing. Allele origin: germline. Affected: yes. Not counted in ClinVar's aggregate classification.
Comment: PVS1,PM5_Strong

Labcorp Genetics (formerly Invitae), Labcorp
Classification: Pathogenic for Hereditary breast ovarian cancer syndrome. Last evaluated: 2026-01-12. Review status: criteria provided, single submitter. Criteria: Invitae Variant Classification Sherloc (09022015). Collection method: clinical testing. Allele origin: germline. Not counted in ClinVar's aggregate classification.
Comment: This sequence change creates a premature translational stop signal (p.Arg1726Lysfs*3) in the BRCA1 gene. It is expected to result in an absent or disrupted protein product. Loss-of-function variants in BRCA1 are known to be pathogenic (PMID: 20104584). This variant is present in population databases (rs80357975, gnomAD 0.01%). This premature translational stop signal has been observed in individual(s) with breast and/or ovarian cancer (PMID: 9150171, 22923021, 23397983, 24504028, 26287763, 27831900). This variant is also known as 5296del4. ClinVar contains an entry for this variant (Variation ID: 37644). For these reasons, this variant has been classified as Pathogenic.

Bioscientia Institut fuer Medizinische Diagnostik GmbH, Sonic Healthcare
Classification: Pathogenic for Breast-ovarian cancer, familial, susceptibility to, 1. Last evaluated: 2025-02-07. Review status: criteria provided, single submitter. Criteria: ACMG Guidelines, 2015. Collection method: clinical testing. Allele origin: germline. Affected: no. Not counted in ClinVar's aggregate classification.

Ambry Genetics
Classification: Pathogenic for Hereditary cancer-predisposing syndrome. Last evaluated: 2024-10-25. Review status: criteria provided, single submitter. Criteria: Ambry Variant Classification Scheme 2023. Collection method: clinical testing. Allele origin: germline. Not counted in ClinVar's aggregate classification.
Comment: The c.5177_5180delGAAA pathogenic mutation, located in coding exon 17 of the BRCA1 gene, results from a deletion of 4 nucleotides at nucleotide positions 5177 to 5180, causing a translational frameshift with a predicted alternate stop codon (p.R1726Kfs*3). This mutation has been reported in multiple individuals diagnosed with breast and/or ovarian cancer (Gao Q et al. Am. J. Hum. Genet. 1997 May;60:1233-6; Tai YC et al. J. Natl. Cancer Inst. 2007 Dec;99:1811-4; Robertson L et al. Br. J. Cancer 2012 Mar;106:1234-8; Novakovi S et al. Int. J. Oncol. 2012 Nov;41:1619-27; Ewald IP et al. Genet. Mol. Biol. 2016 Apr-Jun;39:223-31; Natarajan P et al. Sci. Transl. Med. 2016 Nov;8:364ra151; Pritzlaff M et al. Breast Cancer Res. Treat. 2017 Feb;161:575-586; Meisel C et al. Arch. Gynecol. Obstet. 2017 May;295:1227-1238; Sandoval RL et al. PLoS One. 2021 Feb;16:e0247363). Of note, this alteration is also designated as 5296del4 in published literature. In addition to the clinical data presented in the literature, this alteration is expected to result in loss of function by premature protein truncation or nonsense-mediated mRNA decay. As such, this alteration is interpreted as a disease-causing mutation.

Molecular Genetics and NGS Laboratory, Hospital Fundacion Valle Del Lili
Classification: Pathogenic for Breast-ovarian cancer, familial, susceptibility to, 1. Last evaluated: 2024-09-05. Review status: criteria provided, single submitter. Criteria: ACMG Guidelines, 2015. Collection method: clinical testing. Allele origin: germline. Affected: yes. Observed: 1 variant allele. Not counted in ClinVar's aggregate classification.
Comment: Null variant (frame-shift) in gene BRCA1, predicted to cause NMD. Loss-of-function is a known mechanism of disease (gene has 3 663 reported pathogenic LOF variants). The exon affects 1 functional domain: UniProt protein BRCA1_HUMAN domain 'BRCT 1'. The exon contains 46 pathogenic variants. The truncated region contains 450 pathogenic variants (PVS1). Combined evidence strength is Very Strong (score = 12).Very Strong: ClinVar classifies this variant as Pathogenic, 3 stars (reviewed Jul '24, 28 submissions of which 4 are from high confidence submitters) (PP5). GnomAD genomes homozygous allele count = 0 is less than 2 for AD/AR gene BRCA1, good gnomAD genomes coverage = 31.0.GnomAD exomes homozygous allele count = 0 is less than 2 for AD/AR gene BRCA1, good gnomAD exomes coverage = 31.5 (PM2).

Color Diagnostics, LLC DBA Color Health
Classification: Pathogenic for Hereditary cancer-predisposing syndrome. Last evaluated: 2024-01-23. Review status: criteria provided, single submitter. Criteria: ACMG Guidelines, 2015. Collection method: clinical testing. Allele origin: germline. Not counted in ClinVar's aggregate classification.
Comment: This variant deletes 4 nucleotides in exon 18 of the BRCA1 gene, creating a frameshift and premature translation stop signal. This variant is expected to result in an absent or non-functional protein product. This variant is also known as 5296del4 based on Breast Cancer Information Core (BIC) nomenclature. This variant has been reported in more than eight individuals affected with breast and/or ovarian cancer, as well as individuals from hereditary breast and ovarian cancer families (PMID: 18042939, 22923021, 23397983, 24504028, 26287763, 27425403, 27469594, 28008555, 28324225, 29907814, 33606809, 34717758). In a large breast cancer case-control study, this variant has been observed in 17/60449 cases and 6/53455 controls (PMID: 33471991). This variant has also been identified in 2/251090 chromosomes in the general population by the Genome Aggregation Database (gnomAD). Loss of BRCA1 function is a known mechanism of disease. Based on the available evidence, this variant is classified as Pathogenic.

Baylor Genetics
Classification: Pathogenic for Breast-ovarian cancer, familial, susceptibility to, 1. Last evaluated: 2023-11-18. Review status: criteria provided, single submitter. Criteria: ACMG Guidelines, 2015. Collection method: clinical testing. Allele origin: unknown. Not counted in ClinVar's aggregate classification.